The following is an entry in ClinVar:

ClinVar aggregate classification (germline): Uncertain significance. Review status: criteria provided, multiple submitters, no conflicts (2 of 4 stars). 2 submissions from 2 submitters: Uncertain significance (2). Last evaluated 2025-03-05.

gnomAD v4.1: 24 of 1,613,826 alleles (0.0015%); highest among the groups gnomAD compares: East Asian, 0.049%; no homozygotes.

Submissions (2):

GeneDx
Classification: Uncertain significance. Last evaluated: 2025-03-05. Review status: criteria provided, single submitter. Criteria: GeneDx Variant Classification Process June 2021. Collection method: clinical testing. Allele origin: germline. Affected: yes.
Comment: In silico analysis supports that this missense variant has a deleterious effect on protein structure/function; Has not been previously published as pathogenic or benign to our knowledge

Ambry Genetics
Classification: Uncertain significance. Last evaluated: 2023-04-06. Review status: criteria provided, single submitter. Criteria: Ambry Variant Classification Scheme 2023. Collection method: clinical testing. Allele origin: germline.

NM_001286445.3(RIPOR2):c.1136C>A (p.Thr379Lys)

Gene: RIPOR2 (RHO family interacting cell polarization regulator 2; minus strand). Cytogenetic location: 6p22.3.
Variant type: single nucleotide variant.
Coding change: c.1136C>A on transcript NM_001286445.3 (MANE Select); coding-DNA position 1136, C replaced by A.
Protein change: p.Thr379Lys; replaces threonine 379 with lysine.
Molecular consequence: missense variant.
Genome position (GRCh38, 1-based): chr6:24,848,053, G>T on the plus strand (C>A on the coding strand, the complement: RIPOR2 is on the minus strand). VCF-style: chr6-24848053-G-T. GRCh37 (hg19) VCF-style: chr6-24848281-G-T.
Other names: c.1049C>A (NM_014722.3); c.1151C>A, p.Thr384Lys (NM_001286446.3); c.1049C>A, p.Thr350Lys (NM_001286447.2, NM_001346031.2, NM_001346032.2 and 2 more transcripts); short protein forms T379K, T350K, T384K.
Identifiers: ClinVar variation 2518101 (VCV002518101.3), dbSNP rs375981215, ClinGen allele CA3659325.